The following is an entry in ClinVar:

NM_003477.3(PDHX):c.389T>G (p.Leu130Trp)

Gene: PDHX (pyruvate dehydrogenase complex component X; plus strand). Cytogenetic location: 11p13.
Variant type: single nucleotide variant.
Coding change: c.389T>G on transcript NM_003477.3 (MANE Select); coding-DNA position 389, T replaced by G.
Protein change: p.Leu130Trp; replaces leucine 130 with tryptophan.
Molecular consequence: missense variant. On other transcripts: intron variant (1).
Genome position (GRCh38, 1-based): chr11:34,957,430, T>G. VCF-style: chr11-34957430-T-G. GRCh37 (hg19) VCF-style: chr11-34978977-T-G.
Other names: c.389T>G (NM_003477.2); c.209T>G, p.Leu70Trp (NM_001135024.2); c.342+9824T>G (NM_001166158.2); short protein forms L130W, L70W.
Identifiers: ClinVar variation 999080 (VCV000999080.11), dbSNP rs780685781, ClinGen allele CA5945856.

ClinVar aggregate classification (germline): Uncertain significance. Review status: criteria provided, multiple submitters, no conflicts (2 of 4 stars). 2 submissions from 2 submitters: Uncertain significance (2). Last evaluated 2024-12-02.

Conditions:
Inborn genetic diseases. Identifiers: MedGen C0950123, MeSH D030342.

Allele frequency attached by ClinVar (database versions not stated): ExAC 0.00001; gnomAD exomes 0.00001 and 0.00002; TOPMed 0.00003.
gnomAD v4.1: 6 of 1,613,432 alleles (0.00037%); highest among the groups gnomAD compares: Admixed American, 0.01%; no homozygotes.

Submissions (2):

Ambry Genetics
Classification: Uncertain significance for Inborn genetic diseases. Last evaluated: 2024-12-02. Review status: criteria provided, single submitter. Criteria: Ambry Variant Classification Scheme 2023. Collection method: clinical testing. Allele origin: germline.

Labcorp Genetics (formerly Invitae), Labcorp
Classification: Uncertain significance. Last evaluated: 2024-11-04. Review status: criteria provided, single submitter. Criteria: Invitae Variant Classification Sherloc (09022015). Collection method: clinical testing. Allele origin: germline.
Comment: This sequence change replaces leucine, which is neutral and non-polar, with tryptophan, which is neutral and slightly polar, at codon 130 of the PDHX protein (p.Leu130Trp). This variant is present in population databases (rs780685781, gnomAD 0.009%). This variant has not been reported in the literature in individuals affected with PDHX-related conditions. ClinVar contains an entry for this variant (Variation ID: 999080). Invitae Evidence Modeling of protein sequence and biophysical properties (such as structural, functional, and spatial information, amino acid conservation, physicochemical variation, residue mobility, and thermodynamic stability) indicates that this missense variant is not expected to disrupt PDHX protein function with a negative predictive value of 80%. In summary, the available evidence is currently insufficient to determine the role of this variant in disease. Therefore, it has been classified as a Variant of Uncertain Significance.